The following is an entry in ClinVar:

ClinVar aggregate classification (germline): Conflicting classifications of pathogenicity. Review status: criteria provided, conflicting classifications (1 of 4 stars). 3 submissions from 3 submitters: Uncertain significance (1); Likely benign (2). Last evaluated 2026-03-01.

Conditions:
Inborn genetic diseases. Identifiers: MedGen C0950123, MeSH D030342.
Intellectual developmental disorder with autism and speech delay. Also called: AUTS5; Autism, susceptibility to, 5; Autism 5; AUTISM-RELATED SPEECH DELAY; PHRASE SPEECH DELAY, AUTISM-RELATED. Identifiers: MedGen C1853755, MONDO:0011627, OMIM 606053.

Allele frequency attached by ClinVar (database versions not stated): gnomAD exomes 0.00002; ExAC 0.00005.
gnomAD v4.1: 26 of 1,612,842 alleles (0.0016%); highest among the groups gnomAD compares: Middle Eastern, 0.017%; no homozygotes.

Submissions (3):

CeGaT Center for Human Genetics Tuebingen
Classification: Likely benign. Last evaluated: 2026-03-01. Review status: criteria provided, single submitter. Criteria: CeGaT Center For Human Genetics Tuebingen Variant Classification Criteria Version 2. Collection method: clinical testing. Allele origin: germline. Affected: yes. Observed: 1 variant allele.
Comment: TBR1: BS2

Ambry Genetics
Classification: Likely benign for Inborn genetic diseases. Last evaluated: 2022-09-22. Review status: criteria provided, single submitter. Criteria: Ambry Variant Classification Scheme 2023. Collection method: clinical testing. Allele origin: germline.

Revvity Omics, Revvity
Classification: Uncertain significance for Intellectual developmental disorder with autism and speech delay. Last evaluated: 2021-06-03. Review status: criteria provided, single submitter. Criteria: ACMG Guidelines, 2015. Collection method: clinical testing. Allele origin: germline.

NM_006593.4(TBR1):c.1952C>T (p.Ser651Leu)

Gene: TBR1 (T-box brain transcription factor 1; plus strand). Cytogenetic location: 2q24.2.
Variant type: single nucleotide variant.
Coding change: c.1952C>T on transcript NM_006593.4 (MANE Select); coding-DNA position 1952, C replaced by T.
Protein change: p.Ser651Leu; replaces serine 651 with leucine.
Molecular consequence: missense variant.
Genome position (GRCh38, 1-based): chr2:161,424,130, C>T. VCF-style: chr2-161424130-C-T. GRCh37 (hg19) VCF-style: chr2-162280641-C-T.
Other names: short protein forms S651L.
Identifiers: ClinVar variation 1783257 (VCV001783257.9), dbSNP rs780210539, ClinGen allele CA1931039.